The following is an entry in ClinVar:

NM_003738.5(PTCH2):c.467T>G (p.Leu156Trp)

Gene: PTCH2 (patched 2; minus strand). Cytogenetic location: 1p34.1.
Variant type: single nucleotide variant.
Coding change: c.467T>G on transcript NM_003738.5 (MANE Select); coding-DNA position 467, T replaced by G.
Protein change: p.Leu156Trp; replaces leucine 156 with tryptophan.
Molecular consequence: missense variant.
Genome position (GRCh38, 1-based): chr1:44,832,033, A>C on the plus strand (T>G on the coding strand, the complement: PTCH2 is on the minus strand). VCF-style: chr1-44832033-A-C. GRCh37 (hg19) VCF-style: chr1-45297705-A-C.
Other names: c.467T>G, p.Leu156Trp (NM_001166292.2); c.467T>G (NM_003738.4); short protein forms L156W.
Identifiers: ClinVar variation 1011190 (VCV001011190.11), dbSNP rs757373889, ClinGen allele CA823612.

ClinVar aggregate classification (germline): Uncertain significance. Review status: criteria provided, multiple submitters, no conflicts (2 of 4 stars). 2 submissions from 2 submitters: Uncertain significance (2). Last evaluated 2025-03-02.

Conditions:
Gorlin syndrome. Also called: Nevoid Basal Cell Carcinoma Syndrome; Basal cell nevus syndrome. Identifiers: Orphanet 377, MedGen C0004779, MONDO:0007187.

Allele frequency attached by ClinVar (database versions not stated): ExAC 0.00001; gnomAD exomes 0.00001; TOPMed 0.00001; gnomAD 0.00002.
gnomAD v4.1: 24 of 1,613,596 alleles (0.0015%); highest among the groups gnomAD compares: Non-Finnish European, 0.0015%; no homozygotes.

Submissions (2):

Labcorp Genetics (formerly Invitae), Labcorp
Classification: Uncertain significance for Gorlin syndrome. Last evaluated: 2025-03-02. Review status: criteria provided, single submitter. Criteria: Invitae Variant Classification Sherloc (09022015). Collection method: clinical testing. Allele origin: germline.
Comment: This sequence change replaces leucine, which is neutral and non-polar, with tryptophan, which is neutral and slightly polar, at codon 156 of the PTCH2 protein (p.Leu156Trp). This variant is present in population databases (rs757373889, gnomAD 0.003%). This variant has not been reported in the literature in individuals affected with PTCH2-related conditions. ClinVar contains an entry for this variant (Variation ID: 1011190). Invitae Evidence Modeling of protein sequence and biophysical properties (such as structural, functional, and spatial information, amino acid conservation, physicochemical variation, residue mobility, and thermodynamic stability) has been performed for this missense variant. However, the output from this modeling did not meet the statistical confidence thresholds required to predict the impact of this variant on PTCH2 protein function. In summary, the available evidence is currently insufficient to determine the role of this variant in disease. Therefore, it has been classified as a Variant of Uncertain Significance.

Ambry Genetics
Classification: Uncertain significance. Last evaluated: 2023-09-13. Review status: criteria provided, single submitter. Criteria: Ambry Variant Classification Scheme 2023. Collection method: clinical testing. Allele origin: germline.